The following is an entry in ClinVar:

ClinVar aggregate classification (germline): Conflicting classifications of pathogenicity. Review status: criteria provided, conflicting classifications (1 of 4 stars). 4 submissions from 4 submitters: Uncertain significance (3); Likely benign (1). Last evaluated 2025-07-06.

Conditions:
Familial cancer of breast. Also called: BREAST CANCER, FAMILIAL; Hereditary breast cancer; hereditary breast carcinoma. Identifiers: Orphanet 227535, MedGen C0346153, MONDO:0016419, OMIM 114480. Disease mechanism: loss of function.
Hereditary cancer-predisposing syndrome. Also called: Neoplastic Syndromes, Hereditary; Hereditary Cancer Syndrome; Hereditary neoplastic syndrome; Tumor predisposition. Identifiers: Orphanet 140162, MedGen C0027672, MeSH D009386, MONDO:0015356.

Allele frequency attached by ClinVar (database versions not stated): gnomAD exomes below 0.00001 and 0.00001.
gnomAD v4.1: 2 of 1,613,920 alleles (0.00012%); highest among the groups gnomAD compares: Admixed American, 0.0033%; no homozygotes.

Submissions (4):

Labcorp Genetics (formerly Invitae), Labcorp
Classification: Uncertain significance for Familial cancer of breast. Last evaluated: 2025-07-06. Review status: criteria provided, single submitter. Criteria: Invitae Variant Classification Sherloc (09022015). Collection method: clinical testing. Allele origin: germline.
Comment: This sequence change replaces serine, which is neutral and polar, with asparagine, which is neutral and polar, at codon 312 of the PALB2 protein (p.Ser312Asn). This variant is present in population databases (no rsID available, gnomAD 0.006%). This variant has not been reported in the literature in individuals affected with PALB2-related conditions. ClinVar contains an entry for this variant (Variation ID: 461033). Invitae Evidence Modeling of protein sequence and biophysical properties (such as structural, functional, and spatial information, amino acid conservation, physicochemical variation, residue mobility, and thermodynamic stability) indicates that this missense variant is not expected to disrupt PALB2 protein function with a negative predictive value of 80%. In summary, the available evidence is currently insufficient to determine the role of this variant in disease. Therefore, it has been classified as a Variant of Uncertain Significance.

Color Diagnostics, LLC DBA Color Health
Classification: Uncertain significance for Hereditary cancer-predisposing syndrome. Last evaluated: 2025-03-24. Review status: criteria provided, single submitter. Criteria: ACMG Guidelines, 2015. Collection method: clinical testing. Allele origin: germline.
Comment: This missense variant replaces serine with asparagine at codon 312 of the PALB2 protein. Computational prediction suggests that this variant may not impact protein structure and function (internally defined REVEL score threshold <= 0.5, PMID: 27666373). To our knowledge, functional studies have not been reported for this variant. This variant has not been reported in individuals affected with PALB2-related disorders in the literature. This variant has been identified in 2/251128 chromosomes in the general population by the Genome Aggregation Database (gnomAD). The available evidence is insufficient to determine the role of this variant in disease conclusively. Therefore, this variant is classified as a Variant of Uncertain Significance.

Ambry Genetics
Classification: Likely benign for Hereditary cancer-predisposing syndrome. Last evaluated: 2024-03-27. Review status: criteria provided, single submitter. Criteria: Ambry Variant Classification Scheme 2023. Collection method: clinical testing. Allele origin: germline.

Quest Diagnostics Nichols Institute San Juan Capistrano
Classification: Uncertain significance. Last evaluated: 2021-05-18. Review status: criteria provided, single submitter. Criteria: Quest Diagnostics criteria. Collection method: clinical testing. Allele origin: unknown.

NM_024675.4(PALB2):c.935G>A (p.Ser312Asn)

Gene: PALB2 (partner and localizer of BRCA2; minus strand). Cytogenetic location: 16p12.2.
Variant type: single nucleotide variant.
Coding change: c.935G>A on transcript NM_024675.4 (MANE Select); coding-DNA position 935, G replaced by A.
Protein change: p.Ser312Asn; replaces serine 312 with asparagine.
Molecular consequence: missense variant.
Genome position (GRCh38, 1-based): chr16:23,635,611, C>T on the plus strand (G>A on the coding strand, the complement: PALB2 is on the minus strand). VCF-style: chr16-23635611-C-T. GRCh37 (hg19) VCF-style: chr16-23646932-C-T.
Other names: short protein forms S312N.
Identifiers: ClinVar variation 461033 (VCV000461033.19), dbSNP rs1407319475, ClinGen allele CA395135226.